The following is an entry in ClinVar:

NM_018082.6(POLR3B):c.3354G>T (p.Gln1118His)

Genes: POLR3B (RNA polymerase III subunit B; plus strand), RFX4-AS1 (RFX4 antisense RNA 1; minus strand). Cytogenetic location: 12q23.3.
Variant type: single nucleotide variant.
Coding change: c.3354G>T on transcript NM_018082.6 (MANE Select); coding-DNA position 3354, G replaced by T.
Protein change: p.Gln1118His; replaces glutamine 1118 with histidine.
Molecular consequence: missense variant.
Genome position (GRCh38, 1-based): chr12:106,509,501, G>T. VCF-style: chr12-106509501-G-T. GRCh37 (hg19) VCF-style: chr12-106903279-G-T.
Other names: c.3180G>T, p.Gln1060His (NM_001160708.2); short protein forms Q1060H, Q1118H.
Identifiers: ClinVar variation 1929545 (VCV001929545.5), dbSNP rs781580610, ClinGen allele CA6762469.

ClinVar aggregate classification (germline): Uncertain significance (1 of 4 stars; one submission).

Allele frequency attached by ClinVar (database versions not stated): gnomAD 0.00001; gnomAD exomes 0.00001; TOPMed 0.00001; ExAC 0.00003.
gnomAD v4.1: 21 of 1,613,148 alleles (0.0013%); highest among the groups gnomAD compares: Admixed American, 0.0017%; no homozygotes.

Submission:

Labcorp Genetics (formerly Invitae), Labcorp
Classification: Uncertain significance. Last evaluated: 2024-12-02. Review status: criteria provided, single submitter. Criteria: Invitae Variant Classification Sherloc (09022015). Collection method: clinical testing. Allele origin: germline.
Comment: This sequence change replaces glutamine, which is neutral and polar, with histidine, which is basic and polar, at codon 1118 of the POLR3B protein (p.Gln1118His). This variant is present in population databases (rs781580610, gnomAD 0.003%). This variant has not been reported in the literature in individuals affected with POLR3B-related conditions. ClinVar contains an entry for this variant (Variation ID: 1929545). Invitae Evidence Modeling of protein sequence and biophysical properties (such as structural, functional, and spatial information, amino acid conservation, physicochemical variation, residue mobility, and thermodynamic stability) indicates that this missense variant is not expected to disrupt POLR3B protein function with a negative predictive value of 80%. In summary, the available evidence is currently insufficient to determine the role of this variant in disease. Therefore, it has been classified as a Variant of Uncertain Significance.